The following is an entry in ClinVar:

ClinVar aggregate classification (germline): Benign (1 of 4 stars; one submission).

Allele frequency attached by ClinVar (database versions not stated): 1000 Genomes Project 0.99022; gnomAD 0.99087 and 0.99024; 1000 Genomes Project 30x 0.98969; TOPMed 0.98983.

Submission:

GeneDx
Classification: Benign. Last evaluated: 2018-06-14. Review status: criteria provided, single submitter. Criteria: GeneDx Variant Classification (06012015). Collection method: clinical testing. Allele origin: germline. Affected: yes.
Comment: This variant is considered likely benign or benign based on one or more of the following criteria: it is a conservative change, it occurs at a poorly conserved position in the protein, it is predicted to be benign by multiple in silico algorithms, and/or has population frequency not consistent with disease.

NM_213649.1(SFXN4):c.-274C>G

Gene: SFXN4 (sideroflexin 4; minus strand). Cytogenetic location: 10q26.11.
Variant type: single nucleotide variant.
Coding change: c.-274C>G on transcript NM_213649.1; 274 bases upstream of the start codon, C replaced by G.
Genome position (GRCh38, 1-based): chr10:119,165,921, G>C on the plus strand (C>G on the coding strand, the complement: SFXN4 is on the minus strand). VCF-style: chr10-119165921-G-C. GRCh37 (hg19) VCF-style: chr10-120925433-G-C.
Identifiers: ClinVar variation 683824 (VCV000683824.3), dbSNP rs2146054, ClinGen allele CA214188435.